The following is an entry in ClinVar:

ClinVar aggregate classification (germline): Likely pathogenic (1 of 4 stars; one submission).

Conditions:
TAOK1-related disorder. Also called: TAOK1-related condition.

Submission:

PreventionGenetics, part of Exact Sciences
Classification: Likely pathogenic for TAOK1-related condition. Last evaluated: 2023-05-11. Review status: criteria provided, single submitter. Criteria: ACMG Guidelines, 2015. Collection method: clinical testing. Allele origin: germline.
Comment: The TAOK1 c.1800delA variant is predicted to result in a frameshift and premature protein termination (p.Ala601Leufs*11). To our knowledge, this variant has not been reported in the literature or in a large population database, indicating this variant is rare. Frameshift variants in TAOK1 are expected to be pathogenic. This variant is interpreted as likely pathogenic.

NM_020791.4(TAOK1):c.1800del (p.Ala601fs)

Gene: TAOK1 (TAO kinase 1; plus strand). Cytogenetic location: 17q11.2.
Variant type: Deletion.
Coding change: c.1800del on transcript NM_020791.4 (MANE Select); coding-DNA position 1800, one base deleted (A; older notation c.1800delA).
Protein change: p.Ala601fs; shifts the reading frame from alanine 601.
Molecular consequence: frameshift variant. On other transcripts: intron variant (1).
Genome position (GRCh38, 1-based): chr17:29,517,548, A deleted; the last of 2 consecutive A bases (chr17:29,517,547-29,517,548); deleting either gives the same sequence. VCF-style (leftmost placement, unchanged base first): chr17-29517546-GA-G. GRCh37 (hg19) VCF-style: chr17-27844564-GA-G.
Other names: c.1704+6556del (NM_025142.1); short protein forms A601fs.
Identifiers: ClinVar variation 2632770 (VCV002632770.1), dbSNP rs2508290977, ClinGen allele CA2695201261.